The following is an entry in ClinVar:

NM_000093.5(COL5A1):c.4697C>A (p.Pro1566Gln)

Genes: COL5A1 (collagen type V alpha 1 chain; plus strand), LOC101448202 (uncharacterized LOC101448202; minus strand). Cytogenetic location: 9q34.3.
Variant type: single nucleotide variant.
Coding change: c.4697C>A on transcript NM_000093.5 (MANE Select); coding-DNA position 4697, C replaced by A.
Protein change: p.Pro1566Gln; replaces proline 1566 with glutamine.
Molecular consequence: missense variant.
Genome position (GRCh38, 1-based): chr9:134,823,468, C>A. VCF-style: chr9-134823468-C-A. GRCh37 (hg19) VCF-style: chr9-137715314-C-A.
Other names: c.4697C>A, p.Pro1566Gln (NM_001278074.1); short protein forms P1566Q.
Identifiers: ClinVar variation 1318702 (VCV001318702.4), dbSNP rs375540141, ClinGen allele CA5320423.
Genomic context (GRCh38, chr9:134,823,468, plus strand): 5'-CTCCCCAGGGTCCAACTGGCCCGAAGGGTGAGGCAGGCCACCCAGGACCCCCAGGCCCCC[C>A]GGTAAGTAGCCCTTGAAGCCCAGAAAGCGGGACGGGGGCTCTGGCTAGCTCCGAGGGAAT-3'
Protein context (NP_000084.3, residues 1556-1576): EAGHPGPPGP[Pro1566Gln]GPPGEVIQPL

ClinVar aggregate classification (germline): Uncertain significance. Review status: criteria provided, multiple submitters, no conflicts (2 of 4 stars). 2 submissions from 2 submitters: Uncertain significance (2). Last evaluated 2025-03-12.

Conditions:
Ehlers-Danlos syndrome, classic type, 1 (EDSCL1). Also called: EHLERS-DANLOS SYNDROME, GRAVIS TYPE; EHLERS-DANLOS SYNDROME, SEVERE CLASSIC TYPE; Ehlers-Danlos syndrome, type 1; EDS I; Ehlers-Danlos Syndrome, Classic Type, COL5A1-Related. Identifiers: MedGen C0268335, MONDO:0019567, OMIM 130000.

Allele frequency attached by ClinVar (database versions not stated): ESP Exome Variant Server 0.00008.
gnomAD v4.1: 4 of 1,614,060 alleles (0.00025%); highest among the groups gnomAD compares: Non-Finnish European, 0.00034%; no homozygotes.

Submissions (2):

Labcorp Genetics (formerly Invitae), Labcorp
Classification: Uncertain significance for Ehlers-Danlos syndrome, classic type, 1. Last evaluated: 2025-03-12. Review status: criteria provided, single submitter. Criteria: Invitae Variant Classification Sherloc (09022015). Collection method: clinical testing. Allele origin: germline.
Comment: This sequence change replaces proline, which is neutral and non-polar, with glutamine, which is neutral and polar, at codon 1566 of the COL5A1 protein (p.Pro1566Gln). This variant is present in population databases (rs375540141, gnomAD 0.0009%). This variant has not been reported in the literature in individuals affected with COL5A1-related conditions. ClinVar contains an entry for this variant (Variation ID: 1318702). Invitae Evidence Modeling of protein sequence and biophysical properties (such as structural, functional, and spatial information, amino acid conservation, physicochemical variation, residue mobility, and thermodynamic stability) has been performed for this missense variant. However, the output from this modeling did not meet the statistical confidence thresholds required to predict the impact of this variant on COL5A1 protein function. In summary, the available evidence is currently insufficient to determine the role of this variant in disease. Therefore, it has been classified as a Variant of Uncertain Significance.

GeneDx
Classification: Uncertain significance. Last evaluated: 2019-10-04. Review status: criteria provided, single submitter. Criteria: GeneDx Variant Classification Process June 2021. Collection method: clinical testing. Allele origin: germline. Affected: yes.
Comment: Not observed at a significant frequency in large population cohorts (Lek et al., 2016); In silico analysis, which includes protein predictors and evolutionary conservation, supports a deleterious effect; Has not been previously published as pathogenic or benign to our knowledge